The following is an entry in ClinVar:

NM_207404.4(ZNF662):c.1267CTT[1] (p.Leu424del)

Gene: ZNF662 (zinc finger protein 662; plus strand). Cytogenetic location: 3p22.1.
Variant type: Microsatellite.
Coding change: c.1267CTT[1] on transcript NM_207404.4 (MANE Select); one copy of the 3-base unit CTT starting at c.1267; the reference has two copies in a row; one copy, 3 bases deleted.
Protein change: p.Leu424del; deletes leucine 424.
Molecular consequence: inframe deletion.
Genome position (GRCh38, 1-based): chr3:42,915,343-42,915,345, CTT deleted; deleting any 3 consecutive bases within chr3:42,915,340-42,915,345 gives the same sequence; the position shown is the placement nearest the transcript's 3' end. VCF-style (leftmost placement, unchanged base first): chr3-42915339-CCTT-C. GRCh37 (hg19) VCF-style: chr3-42956831-CCTT-C.
Other names: c.1345CTT[1], p.Leu450del (NM_001134656.2); short protein forms L424del, L450del.
Identifiers: ClinVar variation 2653719 (VCV002653719.24), dbSNP rs532197560, ClinGen allele CA2339527.
Genomic context (GRCh38, chr3:42,915,339, plus strand): 5'-CTTAATTAAGCACCAGAGGCGCCATGCTAGAGACAAACCCTATAACTGTCAGATCTCTCA[CCTT>C]CTTGAACATTAGAGAGTGCATAATGGTGATACTTGTTTATAATTCTTATGCTGCAGGAAC-3'

ClinVar aggregate classification (germline): Likely benign (1 of 4 stars; one submission).

Submission:

CeGaT Center for Human Genetics Tuebingen
Classification: Likely benign. Last evaluated: 2023-02-01. Review status: criteria provided, single submitter. Criteria: CeGaT Center For Human Genetics Tuebingen Variant Classification Criteria Version 2. Collection method: clinical testing. Allele origin: germline. Affected: yes. Observed: 1 variant allele.
Comment: ZNF662: BS2